The following is an entry in ClinVar:

NM_001009944.3(PKD1):c.8350C>T (p.Gln2784Ter)

Gene: PKD1 (polycystin 1, transient receptor potential channel interacting; minus strand). Cytogenetic location: 16p13.3.
Variant type: single nucleotide variant.
Coding change: c.8350C>T on transcript NM_001009944.3 (MANE Select); coding-DNA position 8350, C replaced by T.
Protein change: p.Gln2784Ter; replaces glutamine 2784 with a stop codon.
Molecular consequence: nonsense.
Genome position (GRCh38, 1-based): chr16:2,103,707, G>A on the plus strand (C>T on the coding strand, the complement: PKD1 is on the minus strand). VCF-style: chr16-2103707-G-A. GRCh37 (hg19) VCF-style: chr16-2153708-G-A.
Other names: c.8350C>T, p.Gln2784Ter (NM_000296.4); short protein forms Q2784*.
Identifiers: ClinVar variation 2574212 (VCV002574212.4), dbSNP rs2544745346, ClinGen allele CA394364475.

ClinVar aggregate classification (germline): Pathogenic. Review status: criteria provided, multiple submitters, no conflicts (2 of 4 stars). 2 submissions from 2 submitters: Pathogenic (2). Last evaluated 2025-03-21.

Conditions:
PKD1-Biallelic Autosomal Recessive Polycystic Kidney Disease.

Submissions (2):

Women's Health and Genetics/Laboratory Corporation of America, LabCorp
Classification: Pathogenic for PKD1-Biallelic Autosomal Recessive Polycystic Kidney Disease. Last evaluated: 2025-03-21. Review status: criteria provided, single submitter. Criteria: LabCorp Variant Classification Summary - May 2015. Collection method: clinical testing. Allele origin: germline.
Comment: Variant summary: PKD1 c.8350C>T (p.Gln2784X) results in a premature termination codon, predicted to cause a truncation of the encoded protein or absence of the protein due to nonsense mediated decay, which are commonly known mechanisms for disease. The variant was absent in 244460 control chromosomes (gnomAD). c.8350C>T has been reported in the literature in at least one individual affected with Polycystic Kidney Disease (Audrzet_2012). To our knowledge, no experimental evidence demonstrating an impact on protein function has been reported. The following publication have been ascertained in the context of this evaluation (PMID: 22508176). ClinVar contains an entry for this variant (Variation ID: 2574212). Based on the evidence outlined above, the variant was classified as pathogenic.

GeneDx
Classification: Pathogenic. Last evaluated: 2024-11-22. Review status: criteria provided, single submitter. Criteria: GeneDx Variant Classification Process June 2021. Collection method: clinical testing. Allele origin: germline. Affected: yes.
Comment: Not observed at significant frequency in large population cohorts (gnomAD); Nonsense variant predicted to result in protein truncation or nonsense mediated decay in a gene for which loss of function is a known mechanism of disease; This variant is associated with the following publications: (PMID: 22508176)

Literature cited by the submitters: PubMed 22508176 (cited by Women's Health and Genetics/Laboratory Corporation of America, LabCorp).